The following is an entry in ClinVar:

NM_058195.4(CDKN2A):c.168G>A (p.Gly56=)

Gene: CDKN2A (cyclin dependent kinase inhibitor 2A; minus strand). Cytogenetic location: 9p21.3.
Variant type: single nucleotide variant.
Coding change: c.168G>A on transcript NM_058195.4 (MANE Plus Clinical); coding-DNA position 168, G replaced by A.
Protein change: p.Gly56=; no amino-acid change (glycine 56 retained).
Molecular consequence: synonymous variant. On other transcripts: intron variant (1).
Genome position (GRCh38, 1-based): chr9:21,994,164, C>T on the plus strand (G>A on the coding strand, the complement: CDKN2A is on the minus strand). VCF-style: chr9-21994164-C-T. GRCh37 (hg19) VCF-style: chr9-21994163-C-T.
Other names: c.-4+657G>A (NM_001363763.2).
Identifiers: ClinVar variation 1148400 (VCV001148400.8), dbSNP rs2131148111, ClinGen allele CA464100265.

ClinVar aggregate classification (germline): Benign/Likely benign. Review status: criteria provided, multiple submitters, no conflicts (2 of 4 stars). 3 submissions from 3 submitters: Benign (1); Likely benign (2). Last evaluated 2025-08-12.

Conditions:
Familial melanoma. Also called: Hereditary melanoma; Hereditary cutaneous melanoma. Identifiers: Orphanet 618, MedGen C1512419, MONDO:0018961.
Melanoma-pancreatic cancer syndrome. Identifiers: Orphanet 404560, MedGen C1838547, MONDO:0011713, OMIM 606719. Disease mechanism: loss of function.
Hereditary cancer-predisposing syndrome. Also called: Neoplastic Syndromes, Hereditary; Tumor predisposition; Hereditary Cancer Syndrome; Hereditary neoplastic syndrome. Identifiers: Orphanet 140162, MedGen C0027672, MeSH D009386, MONDO:0015356.

Submissions (3):

Myriad Genetics, Inc.
Classification: Benign for Melanoma-pancreatic cancer syndrome. Last evaluated: 2025-08-12. Review status: criteria provided, single submitter. Criteria: Myriad Autosomal Dominant, Autosomal Recessive and X-Linked Classification Criteria (2023). Collection method: clinical testing. Allele origin: unknown.
Comment: This variant is considered benign. This variant is a silent/synonymous amino acid change and it is not expected to impact splicing.

Ambry Genetics
Classification: Likely benign for Hereditary cancer-predisposing syndrome. Last evaluated: 2021-05-24. Review status: criteria provided, single submitter. Criteria: Ambry Variant Classification Scheme 2023. Collection method: clinical testing. Allele origin: germline.

Labcorp Genetics (formerly Invitae), Labcorp
Classification: Likely benign for Familial melanoma. Last evaluated: 2021-04-02. Review status: criteria provided, single submitter. Criteria: Invitae Variant Classification Sherloc (09022015). Collection method: clinical testing. Allele origin: germline.